The following is an entry in ClinVar:

ClinVar aggregate classification (germline): Uncertain significance (1 of 4 stars; one submission).

Conditions:
Inborn genetic diseases. Identifiers: MedGen C0950123, MeSH D030342.

Allele frequency attached by ClinVar (database versions not stated): ExAC 0.00001; gnomAD 0.00001; 1000 Genomes Project 30x 0.00016; 1000 Genomes Project 0.00020.
gnomAD v4.1: 7 of 1,610,006 alleles (0.00043%); highest among the groups gnomAD compares: African/African-American, 0.004%; no homozygotes.

Submission:

Ambry Genetics
Classification: Uncertain significance for Inborn genetic diseases. Last evaluated: 2021-10-13. Review status: criteria provided, single submitter. Criteria: Ambry Variant Classification Scheme 2023. Collection method: clinical testing. Allele origin: germline.
Comment: The c.812-3C>T intronic alteration consists of a C to T substitution 3 nucleotides before coding exon 7 in the TANC2 gene. Based on insufficient or conflicting evidence, the clinical significance of this alteration remains unclear.

NM_001394998.1(TANC2):c.1034-3C>T

Gene: TANC2 (tetratricopeptide repeat, ankyrin repeat and coiled-coil containing 2; plus strand). Cytogenetic location: 17q23.3.
Variant type: single nucleotide variant.
Coding change: c.1034-3C>T on transcript NM_001394998.1 (MANE Select); 3 bases into the intron before coding-DNA position 1034, C replaced by T.
Molecular consequence: intron variant.
Genome position (GRCh38, 1-based): chr17:63,267,745, C>T. VCF-style: chr17-63267745-C-T. GRCh37 (hg19) VCF-style: chr17-61345106-C-T.
Other names: c.812-3C>T (NM_025185.4).
Identifiers: ClinVar variation 2247724 (VCV002247724.2), dbSNP rs576990196, ClinGen allele CA8697492.